The following is an entry in ClinVar:

ClinVar aggregate classification (germline): Uncertain significance (1 of 4 stars; one submission).

Conditions:
Camptomelic dysplasia (CMPD). Also called: Campomelic Dysplasia; CMPD1/SRA1. Identifiers: Orphanet 140, MedGen C1861922, MONDO:0007251, OMIM 114290.

Allele frequency attached by ClinVar (database versions not stated): ExAC 0.00001.

Submission:

Labcorp Genetics (formerly Invitae), Labcorp
Classification: Uncertain significance for Camptomelic dysplasia. Last evaluated: 2024-04-29. Review status: criteria provided, single submitter. Criteria: Invitae Variant Classification Sherloc (09022015). Collection method: clinical testing. Allele origin: germline.
Comment: This sequence change replaces serine, which is neutral and polar, with phenylalanine, which is neutral and non-polar, at codon 19 of the SOX9 protein (p.Ser19Phe). This variant is present in population databases (rs775652942, gnomAD 0.007%). This variant has not been reported in the literature in individuals affected with SOX9-related conditions. ClinVar contains an entry for this variant (Variation ID: 1995097). Advanced modeling of protein sequence and biophysical properties (such as structural, functional, and spatial information, amino acid conservation, physicochemical variation, residue mobility, and thermodynamic stability) performed at Invitae indicates that this missense variant is expected to disrupt SOX9 protein function with a positive predictive value of 80%. In summary, the available evidence is currently insufficient to determine the role of this variant in disease. Therefore, it has been classified as a Variant of Uncertain Significance.

NM_000346.4(SOX9):c.56C>T (p.Ser19Phe)

Genes: SOX9 (SRY-box transcription factor 9; plus strand), LOC108021846 (SOX9 promoter region; plus strand). Cytogenetic location: 17q24.3.
Variant type: single nucleotide variant.
Coding change: c.56C>T on transcript NM_000346.4 (MANE Select); coding-DNA position 56, C replaced by T.
Protein change: p.Ser19Phe; replaces serine 19 with phenylalanine.
Molecular consequence: missense variant.
Genome position (GRCh38, 1-based): chr17:72,121,447, C>T. VCF-style: chr17-72121447-C-T. GRCh37 (hg19) VCF-style: chr17-70117588-C-T.
Other names: short protein forms S19F.
Identifiers: ClinVar variation 1995097 (VCV001995097.4), dbSNP rs775652942, ClinGen allele CA8738867.